The following is an entry in ClinVar:

NM_018474.6(KIZ):c.1392G>A (p.Gln464=)

Genes: KIZ (kizuna centrosomal protein; plus strand), KIZ-AS1 (KIZ antisense RNA 1; minus strand). Cytogenetic location: 20p11.23.
Variant type: single nucleotide variant.
Coding change: c.1392G>A on transcript NM_018474.6 (MANE Select); coding-DNA position 1392, G replaced by A.
Protein change: p.Gln464=; no amino-acid change (glutamine 464 retained).
Molecular consequence: synonymous variant.
Genome position (GRCh38, 1-based): chr20:21,205,530, G>A. VCF-style: chr20-21205530-G-A. GRCh37 (hg19) VCF-style: chr20-21186168-G-A.
Other names: c.1083G>A, p.Gln361= (NM_001163022.3, NM_001352435.2); c.993G>A, p.Gln331= (NM_001163023.3); c.1245G>A, p.Gln415= (NM_001276389.2); c.1392G>A, p.Gln464= (NM_001352434.2); c.1050G>A, p.Gln350= (NM_001352436.2).
Identifiers: ClinVar variation 3067398 (VCV003067398.21), dbSNP rs549935842, ClinGen allele CA312984365.
Genomic context (GRCh38, chr20:21,205,530, plus strand): 5'-TGTCCTGTTTCTGTTTTATAGACCTGGACAAACACCAGACTCAGACGTACCGAGGGCACA[G>A]GTGGGTCAGCATGTTGCCACCTTGAAAGAACATGATAATTCTGTCAAAGAAGAGGTAGGT-3'
Protein context (NP_060944.3, residues 454-474): QTPDSDVPRA[Gln464=]VGQHVATLKE

ClinVar aggregate classification (germline): Likely benign (1 of 4 stars; one submission).

Allele frequency attached by ClinVar (database versions not stated): gnomAD 0.00001; 1000 Genomes Project 30x 0.00016; 1000 Genomes Project 0.00020.

Submission:

CeGaT Center for Human Genetics Tuebingen
Classification: Likely benign. Last evaluated: 2024-02-01. Review status: criteria provided, single submitter. Criteria: CeGaT Center For Human Genetics Tuebingen Variant Classification Criteria Version 2. Collection method: clinical testing. Allele origin: germline. Affected: yes. Observed: 1 variant allele.
Comment: KIZ: BP4, BP7